The following is an entry in ClinVar:

NM_031220.4(PITPNM3):c.2597A>G (p.Lys866Arg)

Gene: PITPNM3 (PITPNM family member 3; minus strand). Cytogenetic location: 17p13.2.
Variant type: single nucleotide variant.
Coding change: c.2597A>G on transcript NM_031220.4 (MANE Select); coding-DNA position 2597, A replaced by G.
Protein change: p.Lys866Arg; replaces lysine 866 with arginine.
Molecular consequence: missense variant.
Genome position (GRCh38, 1-based): chr17:6,457,616, T>C on the plus strand (A>G on the coding strand, the complement: PITPNM3 is on the minus strand). VCF-style: chr17-6457616-T-C. GRCh37 (hg19) VCF-style: chr17-6360936-T-C.
Other names: c.2489A>G, p.Lys830Arg (NM_001165966.2); short protein forms K830R, K866R.
Identifiers: ClinVar variation 3680471 (VCV003680471.2).

ClinVar aggregate classification (germline): Uncertain significance (1 of 4 stars; one submission).

gnomAD v4.1: 3 of 1,602,668 alleles (0.00019%); highest among the groups gnomAD compares: Non-Finnish European, 0.00026%; no homozygotes.

Submission:

Labcorp Genetics (formerly Invitae), Labcorp
Classification: Uncertain significance. Last evaluated: 2025-06-04. Review status: criteria provided, single submitter. Criteria: Invitae Variant Classification Sherloc (09022015). Collection method: clinical testing. Allele origin: germline.
Comment: This sequence change replaces lysine, which is basic and polar, with arginine, which is basic and polar, at codon 866 of the PITPNM3 protein (p.Lys866Arg). This variant is present in population databases (rs748329291, gnomAD 0.003%). This variant has not been reported in the literature in individuals affected with PITPNM3-related conditions. ClinVar contains an entry for this variant (Variation ID: 3680471). Invitae Evidence Modeling of protein sequence and biophysical properties (such as structural, functional, and spatial information, amino acid conservation, physicochemical variation, residue mobility, and thermodynamic stability) indicates that this missense variant is not expected to disrupt PITPNM3 protein function with a negative predictive value of 80%. In summary, the available evidence is currently insufficient to determine the role of this variant in disease. Therefore, it has been classified as a Variant of Uncertain Significance.